The following is an entry in ClinVar:

NM_007294.4(BRCA1):c.2829A>G (p.Lys943=)

Gene: BRCA1 (BRCA1 DNA repair associated; minus strand). Cytogenetic location: 17q21.31.
Variant type: single nucleotide variant.
Coding change: c.2829A>G on transcript NM_007294.4 (MANE Select); coding-DNA position 2829, A replaced by G.
Protein change: p.Lys943=; no amino-acid change (lysine 943 retained).
Molecular consequence: synonymous variant. On other transcripts: intron variant (137).
Genome position (GRCh38, 1-based): chr17:43,092,702, T>C on the plus strand (A>G on the coding strand, the complement: BRCA1 is on the minus strand). VCF-style: chr17-43092702-T-C. GRCh37 (hg19) VCF-style: chr17-41244719-T-C.
Other names: c.2616A>G, p.Lys872= (NM_001407571.1, NM_001407853.1, NM_001407894.1 and 9 more transcripts); c.2829A>G, p.Lys943= (NM_001407581.1, NM_001407582.1, NM_001407583.1 and 30 more transcripts); c.2826A>G, p.Lys942= (NM_001407587.1, NM_001407590.1, NM_001407591.1 and 22 more transcripts); c.2820A>G, p.Lys940= (NM_001407646.1, NM_001407647.1); c.2706A>G, p.Lys902= (NM_001407648.1, NM_001407664.1, NM_001407665.1 and 19 more transcripts); c.2703A>G, p.Lys901= (NM_001407649.1, NM_001407670.1, NM_001407671.1 and 11 more transcripts); c.2751A>G, p.Lys917= (NM_001407653.1, NM_001407654.1, NM_001407655.1 and 4 more transcripts); c.2748A>G, p.Lys916= (NM_001407659.1, NM_001407660.1, NM_001407661.1 and 1 more transcripts); and 41 more.
Identifiers: ClinVar variation 427278 (VCV000427278.5), dbSNP rs1131692088, ClinGen allele CA500232632.

ClinVar aggregate classification (germline): Likely benign. Review status: reviewed by expert panel (3 of 4 stars). 2 submissions from 2 submitters: Likely benign (1). 1 of the submissions does not count toward it. Last evaluated 2017-06-29.

Conditions:
Hereditary breast ovarian cancer syndrome. Also called: Hereditary breast and ovarian cancer syndrome (HBOC); BRCA1- and BRCA2-Associated Hereditary Breast and Ovarian Cancer; Hereditary breast and/or ovarian cancer syndrome; Hereditary breast and ovarian cancer syndrome; Hereditary breast and ovarian cancer; Breast and ovarian cancer. Identifiers: Orphanet 145, MedGen C0677776, MeSH D061325, MONDO:0003582. Disease mechanism: loss of function.
Breast-ovarian cancer, familial, susceptibility to, 1 (BROVCA1). Also called: BRCA1 Hereditary Breast and Ovarian Cancer; OVARIAN CANCER, SUSCEPTIBILITY TO. Identifiers: Orphanet 145, MedGen C2676676, MONDO:0011450, OMIM 604370. Disease mechanism: loss of function.

Submissions (2):

Evidence-based Network for the Interpretation of Germline Mutant Alleles (ENIGMA)
Classification: Likely benign for Breast-ovarian cancer, familial, susceptibility to, 1. Last evaluated: 2017-06-29. Review status: reviewed by expert panel. Criteria: ENIGMA BRCA1/2 Classification Criteria (2017-06-29). Collection method: curation. Allele origin: germline.
Comment: Synonymous substitution variant, with low bioinformatic likelihood to result in a splicing aberration (Splicing prior probability 0.02).

Labcorp Genetics (formerly Invitae), Labcorp
Classification: Likely benign for Hereditary breast ovarian cancer syndrome. Last evaluated: 2025-11-18. Review status: criteria provided, single submitter. Criteria: Invitae Variant Classification Sherloc (09022015). Collection method: clinical testing. Allele origin: germline. Not counted in ClinVar's aggregate classification.